The following is an entry in ClinVar:

ClinVar aggregate classification (germline): Likely pathogenic (1 of 4 stars; one submission).

Conditions:
Tuberous sclerosis 2 (TSC2). Identifiers: Orphanet 805, MedGen C1860707, MONDO:0013199, OMIM 613254.

Submission:

Labcorp Genetics (formerly Invitae), Labcorp
Classification: Likely pathogenic for Tuberous sclerosis 2. Last evaluated: 2023-11-09. Review status: criteria provided, single submitter. Criteria: Invitae Variant Classification Sherloc (09022015). Collection method: clinical testing. Allele origin: germline.
Comment: This sequence change replaces threonine, which is neutral and polar, with proline, which is neutral and non-polar, at codon 1206 of the TSC2 protein (p.Thr1206Pro). This variant is not present in population databases (gnomAD no frequency). This missense change has been observed in individual(s) with clinical features of TSC2-related conditions and/or clinical features of tuberous sclerosis complex (PMID: 35918040; Invitae). In at least one individual the variant was observed to be de novo. Advanced modeling of protein sequence and biophysical properties (such as structural, functional, and spatial information, amino acid conservation, physicochemical variation, residue mobility, and thermodynamic stability) performed at Invitae indicates that this missense variant is not expected to disrupt TSC2 protein function with a negative predictive value of 95%. In summary, the currently available evidence indicates that the variant is pathogenic, but additional data are needed to prove that conclusively. Therefore, this variant has been classified as Likely Pathogenic.

Literature cited by the submitters: PubMed 35918040.

NM_000548.5(TSC2):c.3616A>C (p.Thr1206Pro)

Gene: TSC2 (TSC complex subunit 2; plus strand). Cytogenetic location: 16p13.3.
Variant type: single nucleotide variant.
Coding change: c.3616A>C on transcript NM_000548.5 (MANE Select); coding-DNA position 3616, A replaced by C.
Protein change: p.Thr1206Pro; replaces threonine 1206 with proline.
Molecular consequence: missense variant. On other transcripts: non-coding transcript variant (5).
Genome position (GRCh38, 1-based): chr16:2,081,600, A>C. VCF-style: chr16-2081600-A-C. GRCh37 (hg19) VCF-style: chr16-2131601-A-C.
Other names: c.3016A>C, p.Thr1006Pro (NM_001406683.1, NM_001406680.1, NM_001406682.1); c.3013A>C, p.Thr1005Pro (NM_001406684.1); c.2887A>C, p.Thr963Pro (NM_001406685.1, NM_001406686.1); c.2884A>C, p.Thr962Pro (NM_001406687.1, NM_001406688.1, NM_001318831.2); c.2272A>C, p.Thr758Pro (NM_001406689.1); c.2143A>C, p.Thr715Pro (NM_001406690.1, NM_001406692.1, NM_001406693.1 and 1 more transcripts); c.2140A>C, p.Thr714Pro (NM_001406691.1, NM_001406695.1, NM_001406696.1 and 1 more transcripts); c.1882A>C, p.Thr628Pro (NM_001406698.1); and 18 more; short protein forms T1114P, T1125P, T1157P, T1163P, T628P, T1126P, T1143P, T714P.
Identifiers: ClinVar variation 2767430 (VCV002767430.3), dbSNP rs1348376140, ClinGen allele CA394291424.